The following is an entry in ClinVar:

NM_001378183.1(PIEZO2):c.3517T>A (p.Cys1173Ser)

Gene: PIEZO2 (piezo type mechanosensitive ion channel component 2; minus strand). Cytogenetic location: 18p11.22.
Variant type: single nucleotide variant.
Coding change: c.3517T>A on transcript NM_001378183.1 (MANE Select); coding-DNA position 3517, T replaced by A.
Protein change: p.Cys1173Ser; replaces cysteine 1173 with serine.
Molecular consequence: missense variant.
Genome position (GRCh38, 1-based): chr18:10,759,843, A>T on the plus strand (T>A on the coding strand, the complement: PIEZO2 is on the minus strand). VCF-style: chr18-10759843-A-T. GRCh37 (hg19) VCF-style: chr18-10759841-A-T.
Other names: c.3517T>A, p.Cys1173Ser (NM_001410871.1); c.3442T>A, p.Cys1148Ser (NM_022068.4); short protein forms C1148S, C1173S.
Identifiers: ClinVar variation 2510589 (VCV002510589.3), dbSNP rs375888693, ClinGen allele CA8892535.

ClinVar aggregate classification (germline): Uncertain significance. Review status: criteria provided, multiple submitters, no conflicts (2 of 4 stars). 2 submissions from 2 submitters: Uncertain significance (2). Last evaluated 2026-04-03.

Conditions:
Inborn genetic diseases. Identifiers: MedGen C0950123, MeSH D030342.

Allele frequency attached by ClinVar (database versions not stated): ExAC 0.00005; gnomAD 0.00006; gnomAD exomes 0.00009; TOPMed 0.00011; ESP Exome Variant Server 0.00044.
gnomAD v4.1: 135 of 1,537,360 alleles (0.0088%); highest among the groups gnomAD compares: Non-Finnish European, 0.011%; no homozygotes.

Submissions (2):

Women's Health and Genetics/Laboratory Corporation of America, LabCorp
Classification: Uncertain significance. Last evaluated: 2026-04-03. Review status: criteria provided, single submitter. Criteria: LabCorp Variant Classification Summary - May 2015. Collection method: clinical testing. Allele origin: germline.
Comment: Variant summary: PIEZO2 c.3442T>A (p.Cys1148Ser) results in a non-conservative amino acid change in the encoded protein sequence. Algorithms developed to predict the effect of missense changes on protein structure and function are either unavailable or do not agree on the potential impact of this missense change. The variant allele was found at a frequency of 0.00012 in 145324 control chromosomes. This frequency is not significantly higher than estimated for disease-causing variants in PIEZO2, allowing no conclusion about variant significance. To our knowledge, no occurrence of c.3442T>A in individuals affected with PIEZO2-related conditions and no experimental evidence demonstrating its impact on protein function have been reported. ClinVar contains an entry for this variant (Variation ID: 2510589). Based on the evidence outlined above, the variant was classified as uncertain significance.

Ambry Genetics
Classification: Uncertain significance for Inborn genetic diseases. Last evaluated: 2023-04-18. Review status: criteria provided, single submitter. Criteria: Ambry Variant Classification Scheme 2023. Collection method: clinical testing. Allele origin: germline.